The following is an entry in ClinVar:

ClinVar aggregate classification (germline): Conflicting classifications of pathogenicity. Review status: criteria provided, conflicting classifications (1 of 4 stars). 5 submissions from 5 submitters: Uncertain significance (2); Benign (1); Likely benign (2). Last evaluated 2026-01-28.

Conditions:
Usher syndrome type 1 (USH1). Also called: RETINITIS PIGMENTOSA AND CONGENITAL DEAFNESS. Identifiers: Orphanet 231169, Orphanet 886, MedGen C1568247, MONDO:0010168, OMIM 276900.

Allele frequency attached by ClinVar (database versions not stated): gnomAD exomes 0.00005 and 0.00008; ExAC 0.00008; gnomAD 0.00044 and 0.00048; ESP Exome Variant Server 0.00046; TOPMed 0.00052; 1000 Genomes Project 0.00060; 1000 Genomes Project 30x 0.00062.
gnomAD v4.1: 143 of 1,614,074 alleles (0.0089%); highest among the groups gnomAD compares: African/African-American, 0.16%; no homozygotes.

Submissions (5):

Labcorp Genetics (formerly Invitae), Labcorp
Classification: Likely benign. Last evaluated: 2026-01-28. Review status: criteria provided, single submitter. Criteria: Invitae Variant Classification Sherloc (09022015). Collection method: clinical testing. Allele origin: germline.

GeneDx
Classification: Uncertain significance. Last evaluated: 2024-10-29. Review status: criteria provided, single submitter. Criteria: GeneDx Variant Classification Process June 2021. Collection method: clinical testing. Allele origin: germline. Affected: yes.
Comment: In silico analysis indicates that this missense variant does not alter protein structure/function; Has not been previously published as pathogenic or benign to our knowledge

Blueprint Genetics
Classification: Benign. Last evaluated: 2023-02-09. Review status: criteria provided, single submitter. Criteria: ACMG Guidelines, 2015. Collection method: clinical testing. Allele origin: germline.

Illumina Laboratory Services, Illumina
Classification: Uncertain significance for Usher syndrome type 1. Last evaluated: 2018-01-13. Review status: criteria provided, single submitter. Criteria: ICSL Variant Classification Criteria 13 December 2019. Collection method: clinical testing. Allele origin: germline.

Laboratory for Molecular Medicine, Mass General Brigham Personalized Medicine
Classification: Likely benign. Last evaluated: 2014-09-29. Review status: criteria provided, single submitter. Criteria: LMM Criteria. Collection method: clinical testing. Allele origin: germline. Observed: 1 variant allele.
Comment: p.Asn419Ser variant in exon 11 of PCDH15: This variant is not expected to have c linical significance because it has been identified in 0.136% (6/4406) of Afric an American chromosomes by the NHLBI Exome Sequencing Project, and in 1.639% (2/ 122) of African American chromosomes and in 0.568% (1/176) of Nigerian chromosom es by the 1000 Genomes Project (dbSNP rs14382 7620). In addtion, asparaginine (Asn) at position 419 is not well conserved in m ammals or evolutionarily distant species with many fish carrying a serine (Ser) at this position and computational prediction tools do not suggest a high likeli hood of impact to the protein. which supports that variants at this position may be tolerated.

NM_001384140.1(PCDH15):c.1256A>G (p.Asn419Ser)

Gene: PCDH15 (protocadherin related 15; minus strand). Cytogenetic location: 10q21.1.
Variant type: single nucleotide variant.
Coding change: c.1256A>G on transcript NM_001384140.1 (MANE Select); coding-DNA position 1256, A replaced by G.
Protein change: p.Asn419Ser; replaces asparagine 419 with serine.
Molecular consequence: missense variant.
Genome position (GRCh38, 1-based): chr10:54,195,732, T>C on the plus strand (A>G on the coding strand, the complement: PCDH15 is on the minus strand). VCF-style: chr10-54195732-T-C. GRCh37 (hg19) VCF-style: chr10-55955492-T-C.
Other names: c.1271A>G, p.Asn424Ser (NM_001142763.2, NM_001142769.4, NM_001142771.2); c.1256A>G, p.Asn419Ser (NM_001142764.2, NM_001142765.2, NM_001142766.2 and 7 more transcripts); c.1145A>G, p.Asn382Ser (NM_001142767.2); c.1190A>G, p.Asn397Ser (NM_001142768.2, NM_001142773.2, NM_001354404.2); short protein forms N419S, N424S, N397S, N382S.
Identifiers: ClinVar variation 164927 (VCV000164927.19), dbSNP rs143827620, ClinGen allele CA177601.